The following is an entry in ClinVar:

ClinVar aggregate classification (germline): Conflicting classifications of pathogenicity. Review status: criteria provided, conflicting classifications (1 of 4 stars). 5 submissions from 4 submitters: Uncertain significance (1); Benign (1); Likely benign (3). Last evaluated 2025-04-02.

Conditions:
Autosomal recessive ataxia, Beauce type. Also called: SYNE1-Related Autosomal Recessive Cerebellar Ataxia; Spinocerebellar ataxia, autosomal recessive 8; ATAXIA, RECESSIVE, OF BEAUCE; SYNE1 Deficiency. Identifiers: Orphanet 88644, MedGen C1853116, MONDO:0012549, OMIM 610743.
Emery-Dreifuss muscular dystrophy 4, autosomal dominant (EDMD4). Also called: EMERY-DREIFUSS MUSCULAR DYSTROPHY 4 WITH VARIABLE FEATURES. Identifiers: Orphanet 261, MedGen C2751807, MONDO:0013071, OMIM 612998.

Allele frequency attached by ClinVar (database versions not stated): gnomAD 0.00006 and 0.00007; TOPMed 0.00009; ExAC 0.00011; gnomAD exomes 0.00011 and 0.00019; 1000 Genomes Project 30x 0.00016; 1000 Genomes Project 0.00020.
gnomAD v4.1: 291 of 1,613,560 alleles (0.018%); highest among the groups gnomAD compares: Non-Finnish European, 0.023%; no homozygotes.

Submissions (5):

Labcorp Genetics (formerly Invitae), Labcorp
Classification: Likely benign for Emery-Dreifuss muscular dystrophy 4, autosomal dominant; Autosomal recessive ataxia, Beauce type. Last evaluated: 2025-04-02. Review status: criteria provided, single submitter. Criteria: Invitae Variant Classification Sherloc (09022015). Collection method: clinical testing. Allele origin: germline.

Blueprint Genetics
Classification: Likely benign. Last evaluated: 2024-09-19. Review status: criteria provided, single submitter. Criteria: ACMG Guidelines, 2015. Collection method: clinical testing. Allele origin: germline.

Illumina Laboratory Services, Illumina
Classification: Uncertain significance for Autosomal recessive ataxia, Beauce type. Last evaluated: 2018-01-13. Review status: criteria provided, single submitter. Criteria: ICSL Variant Classification Criteria 13 December 2019. Collection method: clinical testing. Allele origin: germline.

Illumina Laboratory Services, Illumina
Classification: Benign for Emery-Dreifuss muscular dystrophy 4, autosomal dominant. Last evaluated: 2018-01-13. Review status: criteria provided, single submitter. Criteria: ICSL Variant Classification Criteria 13 December 2019. Collection method: clinical testing. Allele origin: germline.
Comment: This variant was observed in the ICSL laboratory as part of a predisposition screen in an ostensibly healthy population. It had not been previously curated by ICSL or reported in the Human Gene Mutation Database (HGMD: prior to June 1st, 2018), and was therefore a candidate for classification through an automated scoring system. Utilizing variant allele frequency, disease prevalence and penetrance estimates, and inheritance mode, an automated score was calculated to assess if this variant is too frequent to cause the disease. Based on the score and internal cut-off values, a variant classified as benign is not then subjected to further curation. The score for this variant resulted in a classification of benign for this disease.

GeneDx
Classification: Likely benign. Last evaluated: 2017-01-18. Review status: criteria provided, single submitter. Criteria: GeneDx Variant Classification (06012015). Collection method: clinical testing. Allele origin: germline. Affected: yes.
Comment: This variant is considered likely benign or benign based on one or more of the following criteria: it is a conservative change, it occurs at a poorly conserved position in the protein, it is predicted to be benign by multiple in silico algorithms, and/or has population frequency not consistent with disease.

NM_182961.4(SYNE1):c.19693-15G>A

Gene: SYNE1 (spectrin repeat containing nuclear envelope protein 1; minus strand). Cytogenetic location: 6q25.2.
Variant type: single nucleotide variant.
Coding change: c.19693-15G>A on transcript NM_182961.4 (MANE Select); 15 bases into the intron before coding-DNA position 19693, G replaced by A.
Molecular consequence: intron variant.
Genome position (GRCh38, 1-based): chr6:152,242,455, C>T on the plus strand (G>A on the coding strand, the complement: SYNE1 is on the minus strand). VCF-style: chr6-152242455-C-T. GRCh37 (hg19) VCF-style: chr6-152563590-C-T.
Other names: c.19480-15G>A (NM_033071.5).
Identifiers: ClinVar variation 355840 (VCV000355840.13), dbSNP rs187885923, ClinGen allele CA4054592.
Genomic context (GRCh38, chr6:152,242,455, plus strand): 5'-CACTCCTCCGGGAGCCAATGATCATCATCAGCTCATCATACATGTCCTAAGAAGCAGAGA[C>T]CACAAGACTCACTCTCAATTCATATTCTGGCAACCCTCTAAAAGCATATGAACTATGAAC-3'